The following is an entry in ClinVar:

NM_001211.6(BUB1B):c.1130A>G (p.Asp377Gly)

Gene: BUB1B (BUB1 mitotic checkpoint serine/threonine kinase B; plus strand). Cytogenetic location: 15q15.1.
Variant type: single nucleotide variant.
Coding change: c.1130A>G on transcript NM_001211.6 (MANE Select); coding-DNA position 1130, A replaced by G.
Protein change: p.Asp377Gly; replaces aspartic acid 377 with glycine.
Molecular consequence: missense variant.
Genome position (GRCh38, 1-based): chr15:40,196,616, A>G. VCF-style: chr15-40196616-A-G. GRCh37 (hg19) VCF-style: chr15-40488817-A-G.
Other names: short protein forms D377G.
Identifiers: ClinVar variation 4216946 (VCV004216946.1).
Genomic context (GRCh38, chr15:40,196,616, plus strand): 5'-AAATTGAACCTAGTATAAACCACATCCTAAGCACCAGAAAGCCTGGAAAGGAAGAAGGAG[A>G]TCCTCTACAAAGGGTTCAGAGCCATCAGCAAGCGTCTGAGGAGAAGAAAGAGAAGATGAT-3'
Protein context (NP_001202.5, residues 367-387): STRKPGKEEG[Asp377Gly]PLQRVQSHQQ

ClinVar aggregate classification (germline): Uncertain significance (1 of 4 stars; one submission).

Conditions:
Inborn genetic diseases. Identifiers: MedGen C0950123, MeSH D030342.

Submission:

Ambry Genetics
Classification: Uncertain significance for Inborn genetic diseases. Last evaluated: 2025-07-13. Review status: criteria provided, single submitter. Criteria: Ambry Variant Classification Scheme 2023. Collection method: clinical testing. Allele origin: germline.
Comment: The p.D377G variant (also known as c.1130A>G), located in coding exon 9 of the BUB1B gene, results from an A to G substitution at nucleotide position 1130. The aspartic acid at codon 377 is replaced by glycine, an amino acid with similar properties. This amino acid position is conserved. In addition, the in silico prediction for this alteration is inconclusive. Based on the available evidence, the clinical significance of this variant remains unclear.